The following is an entry in ClinVar:

NM_000169.3(GLA):c.679C>G (p.Arg227Gly)

Genes: GLA (galactosidase alpha; minus strand), RPL36A-HNRNPH2 (RPL36A-HNRNPH2 readthrough; plus strand). Cytogenetic location: Xq22.1.
Variant type: single nucleotide variant.
Coding change: c.679C>G on transcript NM_000169.3 (MANE Select); coding-DNA position 679, C replaced by G.
Protein change: p.Arg227Gly; replaces arginine 227 with glycine.
Molecular consequence: missense variant. On other transcripts: non-coding transcript variant (3), intron variant (2).
Genome position (GRCh38, 1-based): chrX:101,398,907, G>C on the plus strand (C>G on the coding strand, the complement: GLA is on the minus strand). VCF-style: chrX-101398907-G-C. GRCh37 (hg19) VCF-style: chrX-100653895-G-C.
Other names: c.802C>G, p.Arg268Gly (NM_001406747.1); c.679C>G, p.Arg227Gly (NM_001406748.1); c.300+3450G>C (NM_001199973.2); c.177+7085G>C (NM_001199974.2); short protein forms R227G, R268G.
Identifiers: ClinVar variation 4974909 (VCV004974909.1).

ClinVar aggregate classification (germline): Likely pathogenic (1 of 4 stars; one submission).

Conditions:
Fabry disease. Also called: Fabry's disease; ALPHA-GALACTOSIDASE A DEFICIENCY; ANDERSON-FABRY DISEASE; CERAMIDE TRIHEXOSIDASE DEFICIENCY; GLA DEFICIENCY; HEREDITARY DYSTOPIC LIPIDOSIS. Identifiers: Orphanet 324, MedGen C0002986, MONDO:0010526, OMIM 301500, HP:0001071. Disease mechanism: Fabry disease is due to inactivating mutations in the X-linked GLA gene resulting in deficiency of the enzyme Alpha Galactosidase-A., loss of function.

Submission:

Genomenon, Inc
Classification: Likely pathogenic for Fabry disease. Last evaluated: 2026-09-08. Review status: criteria provided, single submitter. Criteria: Genomenon Sequence Variant Interpretation Standards - Updated. Collection method: curation. Allele origin: germline. Affected: yes.
Comment: GLA p.Arg227Gly (c.679C>G) is a missense variant that changes the amino acid at codon 227 from Arginine to Glycine. This variant has been observed in at least one proband with clinical features consistent with Fabry disease (PMID:33837397). Functional or patient cell studies have been reported (PMID:33837397). This variant is located in a mutational hotspot and/or important functional domain. It is absent or not present at a significant frequency in gnomAD. In silico models predict that this variant is possibly or probably damaging. In conclusion, we classify GLA p.Arg227Gly (c.679C>G) as a likely pathogenic variant.

Literature cited by the submitters: PubMed 33837397.